The following is an entry in ClinVar:

ClinVar aggregate classification (germline): Conflicting classifications of pathogenicity. Review status: criteria provided, conflicting classifications (1 of 4 stars). 3 submissions from 3 submitters: Uncertain significance (2); Likely benign (1). Last evaluated 2025-11-21.

Allele frequency attached by ClinVar (database versions not stated): ExAC 0.00027; TOPMed 0.00018; ESP Exome Variant Server 0.00022; gnomAD exomes 0.00026 and 0.00027; gnomAD 0.00019.
gnomAD v4.1: 384 of 1,524,484 alleles (0.025%); highest among the groups gnomAD compares: Non-Finnish European, 0.03%; no homozygotes.

Submissions (3):

Dasa
Classification: Uncertain significance. Last evaluated: 2025-11-21. Review status: criteria provided, single submitter. Criteria: DASA Assertion Criteria. Collection method: clinical testing. Allele origin: germline.
Comment: NM_001378183.1(PIEZO2):c.1240-5G>A is a splice-region variant. This variant is rare in population databases. Computational prediction algorithms are consistent with a deleterious effect. The currently available literature and clinical evidence are not sufficient to establish a definitive association between this variant and the reported condition. Therefore, this variant is classified as a variant of uncertain significance.

GeneDx
Classification: Uncertain significance. Last evaluated: 2025-07-23. Review status: criteria provided, single submitter. Criteria: GeneDx Variant Classification Process June 2021. Collection method: clinical testing. Allele origin: germline. Affected: yes.
Comment: Has not been previously published as pathogenic or benign to our knowledge; In silico analysis supports a deleterious effect on splicing

Labcorp Genetics (formerly Invitae), Labcorp
Classification: Likely benign. Last evaluated: 2024-11-06. Review status: criteria provided, single submitter. Criteria: Invitae Variant Classification Sherloc (09022015). Collection method: clinical testing. Allele origin: germline.

NM_001378183.1(PIEZO2):c.1240-5G>A

Gene: PIEZO2 (piezo type mechanosensitive ion channel component 2; minus strand). Cytogenetic location: 18p11.22.
Variant type: single nucleotide variant.
Coding change: c.1240-5G>A on transcript NM_001378183.1 (MANE Select); 5 bases into the intron before coding-DNA position 1240, G replaced by A.
Molecular consequence: intron variant.
Genome position (GRCh38, 1-based): chr18:10,800,480, C>T on the plus strand (G>A on the coding strand, the complement: PIEZO2 is on the minus strand). VCF-style: chr18-10800480-C-T. GRCh37 (hg19) VCF-style: chr18-10800478-C-T.
Other names: c.1240-5G>A (NM_022068.4).
Identifiers: ClinVar variation 1313567 (VCV001313567.12), dbSNP rs373971761, ClinGen allele CA8892754.
Genomic context (GRCh38, chr18:10,800,480, plus strand): 5'-CTTGGGTGGATGGTGTGGTAATCCACGGGGTTGCCGTTCACAGTCACCAGCAGGCCCTGC[C>T]GGGAGTGCAGAGAAAGGGACAACTGTTACAGCAGCTCTGGGTTTTCAATGCAGACATACC-3'